The following is an entry in ClinVar:

ClinVar aggregate classification (germline): Uncertain significance. Review status: criteria provided, multiple submitters, no conflicts (2 of 4 stars). 3 submissions from 3 submitters: Uncertain significance (3). Last evaluated 2026-08-24.

Conditions:
Arrhythmogenic right ventricular dysplasia, familial, 14. Also called: ARRHYTHMOGENIC RIGHT VENTRICULAR CARDIOMYOPATHY 14. Identifiers: MedGen C5394505, MONDO:0030062, OMIM 618920.
CDH2-related disorder. Also called: CDH2-related condition.

Allele frequency attached by ClinVar (database versions not stated): ExAC 0.00001; gnomAD exomes 0.00002; TOPMed 0.00002; gnomAD 0.00003.
gnomAD v4.1: 34 of 1,614,000 alleles (0.0021%); highest among the groups gnomAD compares: African/African-American, 0.0053%; no homozygotes.

Submissions (3):

PreventionGenetics, part of Exact Sciences
Classification: Uncertain significance for CDH2-related condition. Last evaluated: 2026-08-24. Review status: criteria provided, single submitter. Criteria: ACMG Guidelines, 2015. Collection method: clinical testing. Allele origin: germline.
Comment: The CDH2 c.1133A>G variant is predicted to result in the amino acid substitution p.Asn378Ser. This variant was reported in an individual with congenital heart disease (Table S11, Alankarage et al. 2019. PubMed ID: 30293987). This variant is reported in 0.0044% of alleles in individuals of European (Non-Finnish) descent in gnomAD. At this time, the clinical significance of this variant is uncertain due to the absence of conclusive functional and genetic evidence.

Labcorp Genetics (formerly Invitae), Labcorp
Classification: Uncertain significance. Last evaluated: 2025-11-05. Review status: criteria provided, single submitter. Criteria: Invitae Variant Classification Sherloc (09022015). Collection method: clinical testing. Allele origin: germline.
Comment: This sequence change replaces asparagine, which is neutral and polar, with serine, which is neutral and polar, at codon 378 of the CDH2 protein (p.Asn378Ser). This variant is present in population databases (rs199977445, gnomAD 0.004%). This variant has not been reported in the literature in individuals affected with CDH2-related conditions. ClinVar contains an entry for this variant (Variation ID: 1927969). An algorithm developed to predict the effect of missense changes on protein structure and function (PolyPhen-2) suggests that this variant is likely to be disruptive. In summary, the available evidence is currently insufficient to determine the role of this variant in disease. Therefore, it has been classified as a Variant of Uncertain Significance.

Genetics and Molecular Pathology, SA Pathology
Classification: Uncertain significance for Arrhythmogenic right ventricular dysplasia, familial, 14. Last evaluated: 2021-10-13. Review status: criteria provided, single submitter. Criteria: ACMG Guidelines, 2015. Collection method: clinical testing. Allele origin: germline. Affected: yes.

NM_001792.5(CDH2):c.1133A>G (p.Asn378Ser)

Gene: CDH2 (cadherin 2; minus strand). Cytogenetic location: 18q12.1.
Variant type: single nucleotide variant.
Coding change: c.1133A>G on transcript NM_001792.5 (MANE Select); coding-DNA position 1133, A replaced by G.
Protein change: p.Asn378Ser; replaces asparagine 378 with serine.
Molecular consequence: missense variant.
Genome position (GRCh38, 1-based): chr18:27,993,525, T>C on the plus strand (A>G on the coding strand, the complement: CDH2 is on the minus strand). VCF-style: chr18-27993525-T-C. GRCh37 (hg19) VCF-style: chr18-25573489-T-C.
Other names: c.1040A>G, p.Asn347Ser (NM_001308176.2); c.1133A>G (NM_001792.4); short protein forms N347S, N378S.
Identifiers: ClinVar variation 1927969 (VCV001927969.8), dbSNP rs199977445, ClinGen allele CA8923513.